The following is an entry in ClinVar:

ClinVar aggregate classification (germline): Benign/Likely benign. Review status: criteria provided, multiple submitters, no conflicts (2 of 4 stars). 3 submissions from 3 submitters: Benign (1); Likely benign (2). Last evaluated 2026-01-02.

Conditions:
Neuropathy, hereditary sensory, type 2C. Also called: Hereditary sensory and autonomic neuropathy type IIC; KIF1A-Related HSAN2 (HSAN2C). Identifiers: Orphanet 970, MedGen C3280168, MONDO:0013634, OMIM 614213.
Intellectual disability, autosomal dominant 9 (NESCAVS). Also called: NESCAV SYNDROME; KIF1A-Related Neurodevelopmental Disorder. Identifiers: Orphanet 662367, MedGen C5393830, MONDO:0013656, OMIM 614255.
Hereditary spastic paraplegia 30. Identifiers: Orphanet 101010, MedGen C5235139, MONDO:0012476.

Allele frequency attached by ClinVar (database versions not stated): TOPMed 0.00004; ExAC 0.00053; 1000 Genomes Project 30x 0.00078; 1000 Genomes Project 0.00100.
gnomAD v4.1: 338 of 1,610,984 alleles (0.021%); highest among the groups gnomAD compares: South Asian, 0.32%; 10 homozygotes.

Submissions (3):

Labcorp Genetics (formerly Invitae), Labcorp
Classification: Benign for Hereditary spastic paraplegia 30; Neuropathy, hereditary sensory, type 2C; Intellectual disability, autosomal dominant 9. Last evaluated: 2026-01-02. Review status: criteria provided, single submitter. Criteria: Invitae Variant Classification Sherloc (09022015). Collection method: clinical testing. Allele origin: germline.

GeneDx
Classification: Likely benign. Last evaluated: 2017-11-02. Review status: criteria provided, single submitter. Criteria: GeneDx Variant Classification (06012015). Collection method: clinical testing. Allele origin: germline. Affected: yes.
Comment: This variant is considered likely benign or benign based on one or more of the following criteria: it is a conservative change, it occurs at a poorly conserved position in the protein, it is predicted to be benign by multiple in silico algorithms, and/or has population frequency not consistent with disease.

Breakthrough Genomics
Classification: Likely benign. Review status: criteria provided, single submitter. Criteria: ACMG Guidelines, 2015. Collection method: not provided. Allele origin: germline. Inheritance: Autosomal recessive inheritance. Affected: yes.

NM_001244008.2(KIF1A):c.1421+9C>T

Gene: KIF1A (kinesin family member 1A; minus strand). Cytogenetic location: 2q37.3.
Variant type: single nucleotide variant.
Coding change: c.1421+9C>T on transcript NM_001244008.2 (MANE Select); 9 bases into the intron after coding-DNA position 1421, C replaced by T.
Molecular consequence: intron variant.
Genome position (GRCh38, 1-based): chr2:240,769,618, G>A on the plus strand (C>T on the coding strand, the complement: KIF1A is on the minus strand). VCF-style: chr2-240769618-G-A. GRCh37 (hg19) VCF-style: chr2-241709035-G-A.
Other names: c.1394+9C>T (NM_001379653.1, NM_001379650.1, NM_001379645.1 and 10 more transcripts); c.1496+9C>T (NM_001379635.1, NM_001330290.2, NM_001379646.1 and 2 more transcripts); c.1469+9C>T (NM_001379637.1, NM_001379648.1); c.1421+9C>T (NM_001320705.2, NM_001379638.1, NM_001330289.2).
Identifiers: ClinVar variation 513030 (VCV000513030.11), dbSNP rs372601809, ClinGen allele CA2208411.